The following is an entry in ClinVar:

NM_004247.4(EFTUD2):c.1643A>C (p.Asn548Thr)

Gene: EFTUD2 (elongation factor Tu GTP binding domain containing 2; minus strand). Cytogenetic location: 17q21.31.
Variant type: single nucleotide variant.
Coding change: c.1643A>C on transcript NM_004247.4 (MANE Select); coding-DNA position 1643, A replaced by C.
Protein change: p.Asn548Thr; replaces asparagine 548 with threonine.
Molecular consequence: missense variant.
Genome position (GRCh38, 1-based): chr17:44,860,508, T>G on the plus strand (A>C on the coding strand, the complement: EFTUD2 is on the minus strand). VCF-style: chr17-44860508-T-G. GRCh37 (hg19) VCF-style: chr17-42937876-T-G.
Other names: c.1538A>C, p.Asn513Thr (NM_001142605.2); c.1643A>C, p.Asn548Thr (NM_001258353.2); c.1613A>C, p.Asn538Thr (NM_001258354.2); short protein forms N538T, N548T, N513T.
Identifiers: ClinVar variation 2700531 (VCV002700531.3), dbSNP rs201386870, ClinGen allele CA399812460.
Genomic context (GRCh38, chr17:44,860,508, plus strand): 5'-GGTTCGGTTATGGTTGCTGTCTTCACAATTGGTTGATCAACACCTTCAATCAGAACCCAG[T>G]TGCCAGCAGGAACACGGTTCACCTCGATGTGGTACCTGAAGCAATGTCCAATAAGCAGCA-3'
Protein context (NP_004238.3, residues 538-558): HIEVNRVPAG[Asn548Thr]WVLIEGVDQP

ClinVar aggregate classification (germline): Uncertain significance (1 of 4 stars; one submission).

gnomAD v4.1: 2 of 1,614,044 alleles (0.00012%); highest among the groups gnomAD compares: Non-Finnish European, 0.00017%; no homozygotes.

Submission:

Labcorp Genetics (formerly Invitae), Labcorp
Classification: Uncertain significance. Last evaluated: 2024-02-05. Review status: criteria provided, single submitter. Criteria: Invitae Variant Classification Sherloc (09022015). Collection method: clinical testing. Allele origin: germline.
Comment: This sequence change replaces asparagine, which is neutral and polar, with threonine, which is neutral and polar, at codon 548 of the EFTUD2 protein (p.Asn548Thr). This variant is not present in population databases (gnomAD no frequency). This variant has not been reported in the literature in individuals affected with EFTUD2-related conditions. Advanced modeling of protein sequence and biophysical properties (such as structural, functional, and spatial information, amino acid conservation, physicochemical variation, residue mobility, and thermodynamic stability) performed at Invitae indicates that this missense variant is expected to disrupt EFTUD2 protein function with a positive predictive value of 80%. In summary, the available evidence is currently insufficient to determine the role of this variant in disease. Therefore, it has been classified as a Variant of Uncertain Significance.